The following is an entry in ClinVar:

NM_000088.4(COL1A1):c.590G>C (p.Gly197Ala)

Gene: COL1A1 (collagen type I alpha 1 chain; minus strand). Cytogenetic location: 17q21.33.
Variant type: single nucleotide variant.
Coding change: c.590G>C on transcript NM_000088.4 (MANE Select); coding-DNA position 590, G replaced by C.
Protein change: p.Gly197Ala; replaces glycine 197 with alanine.
Molecular consequence: missense variant.
Genome position (GRCh38, 1-based): chr17:50,198,001, C>G on the plus strand (G>C on the coding strand, the complement: COL1A1 is on the minus strand). VCF-style: chr17-50198001-C-G. GRCh37 (hg19) VCF-style: chr17-48275362-C-G.
Other names: short protein forms G197A.
Identifiers: ClinVar variation 2419143 (VCV002419143.6), dbSNP rs72667028, ClinGen allele CA400225373.

ClinVar aggregate classification (germline): Pathogenic (1 of 4 stars; one submission).

Conditions:
Osteogenesis imperfecta type I (OI1). Also called: Lobstein's Disease; Osteogenesis imperfecta type 1; Lobstein disease; Classic Non-deforming Osteogenesis Imperfecta with Blue Sclerae; OI, TYPE I; OSTEOGENESIS IMPERFECTA TARDA. Identifiers: Orphanet 216796, Orphanet 666, MedGen C0023931, MONDO:0008146, OMIM 166200. Disease mechanism: loss of function.

Submission:

Labcorp Genetics (formerly Invitae), Labcorp
Classification: Pathogenic for Osteogenesis imperfecta type I. Last evaluated: 2022-04-01. Review status: criteria provided, single submitter. Criteria: Invitae Variant Classification Sherloc (09022015). Collection method: clinical testing. Allele origin: germline.
Comment: This sequence change replaces glycine, which is neutral and non-polar, with alanine, which is neutral and non-polar, at codon 197 of the COL1A1 protein (p.Gly197Ala). For these reasons, this variant has been classified as Pathogenic. This variant disrupts the triple helix domain of COL1A1. Glycine residues within the Gly-Xaa-Yaa repeats of the triple helix domain are required for the structure and stability of fibrillar collagens (PMID: 7695699, 8218237, 19344236). In COL1A1, variants affecting these glycine residues are significantly enriched in individuals with disease (PMID: 9016532, 17078022) compared to the general population (ExAC). Algorithms developed to predict the effect of missense changes on protein structure and function are either unavailable or do not agree on the potential impact of this missense change (SIFT: "Deleterious"; PolyPhen-2: "Not Available"; Align-GVGD: "Class C55"). This missense change has been observed in individual(s) with osteogenesis imperfecta (PMID: 30886339). This variant is not present in population databases (gnomAD no frequency).

Literature cited by the submitters: PubMed 7695699; PubMed 8218237; PubMed 19344236; PubMed 9016532; PubMed 17078022; PubMed 30886339.